The following is an entry in ClinVar:

ClinVar aggregate classification (germline): Uncertain significance. Review status: criteria provided, multiple submitters, no conflicts (2 of 4 stars). 3 submissions from 3 submitters: Uncertain significance (2). 1 of the submissions does not count toward it. Last evaluated 2025-10-02.

Conditions:
Hereditary cancer-predisposing syndrome. Also called: Hereditary neoplastic syndrome; Neoplastic Syndromes, Hereditary; Hereditary Cancer Syndrome; Tumor predisposition. Identifiers: Orphanet 140162, MedGen C0027672, MeSH D009386, MONDO:0015356.
Bloom syndrome (BLM). Also called: Bloom-Torre-Machacek syndrome. Identifiers: Orphanet 125, MedGen C0005859, MONDO:0008876, OMIM 210900.

Submissions (3):

Ambry Genetics
Classification: Uncertain significance for Hereditary cancer-predisposing syndrome. Last evaluated: 2025-10-02. Review status: criteria provided, single submitter. Criteria: Ambry Variant Classification Scheme 2023. Collection method: clinical testing. Allele origin: germline.
Comment: The p.D44G variant (also known as c.131A>G), located in coding exon 2 of the BLM gene, results from an A to G substitution at nucleotide position 131. The aspartic acid at codon 44 is replaced by glycine, an amino acid with similar properties. This amino acid position is conserved. In addition, this alteration is predicted to be tolerated by in silico analysis. Based on the available evidence, the clinical significance of this variant remains unclear.

Labcorp Genetics (formerly Invitae), Labcorp
Classification: Uncertain significance for Bloom syndrome. Last evaluated: 2024-06-03. Review status: criteria provided, single submitter. Criteria: Invitae Variant Classification Sherloc (09022015). Collection method: clinical testing. Allele origin: germline.
Comment: This sequence change replaces aspartic acid, which is acidic and polar, with glycine, which is neutral and non-polar, at codon 44 of the BLM protein (p.Asp44Gly). This variant is not present in population databases (gnomAD no frequency). This variant has not been reported in the literature in individuals affected with BLM-related conditions. ClinVar contains an entry for this variant (Variation ID: 965961). Algorithms developed to predict the effect of missense changes on protein structure and function output the following: SIFT: "Not Available"; PolyPhen-2: "Benign"; Align-GVGD: "Not Available". The glycine amino acid residue is found in multiple mammalian species, which suggests that this missense change does not adversely affect protein function. Algorithms developed to predict the effect of sequence changes on RNA splicing suggest that this variant may create or strengthen a splice site. In summary, the available evidence is currently insufficient to determine the role of this variant in disease. Therefore, it has been classified as a Variant of Uncertain Significance.

Natera, Inc.
Classification: Uncertain significance for Bloom syndrome. Last evaluated: 2020-01-24. Review status: no assertion criteria provided. Collection method: clinical testing. Allele origin: germline. Not counted in ClinVar's aggregate classification.

NM_000057.4(BLM):c.131A>G (p.Asp44Gly)

Gene: BLM (BLM RecQ like helicase; plus strand). Cytogenetic location: 15q26.1.
Variant type: single nucleotide variant.
Coding change: c.131A>G on transcript NM_000057.4 (MANE Select); coding-DNA position 131, A replaced by G.
Protein change: p.Asp44Gly; replaces aspartic acid 44 with glycine.
Molecular consequence: missense variant. On other transcripts: 5 prime UTR variant (1).
Genome position (GRCh38, 1-based): chr15:90,749,399, A>G. VCF-style: chr15-90749399-A-G. GRCh37 (hg19) VCF-style: chr15-91292629-A-G.
Other names: c.131A>G, p.Asp44Gly (NM_001287246.2, NM_001287247.2); c.-1161A>G (NM_001287248.2); c.131A>G (NM_000057.2); short protein forms D44G.
Identifiers: ClinVar variation 965961 (VCV000965961.14), dbSNP rs1895600607, ClinGen allele CA393839406.
Genomic context (GRCh38, chr15:90,749,399, plus strand): 5'-CTAATCTAGTTTTTCCATTATTTTTCAGAGGTTTCACTTTTAAAAAGAAAACATCTTCAG[A>G]TAACAATGTATCTGTAACTAATGTGTCAGTAGCAAAAACACCTGTATTAAGAAATAAAGA-3'
Protein context (NP_000048.1, residues 34-54): GFTFKKKTSS[Asp44Gly]NNVSVTNVSV